The following is an entry in ClinVar:

ClinVar aggregate classification (germline): Conflicting classifications of pathogenicity. Review status: criteria provided, conflicting classifications (1 of 4 stars). 3 submissions from 3 submitters: Pathogenic (1); Likely pathogenic (1); Uncertain significance (1). Last evaluated 2025-10-01.

Conditions:
Cardiovascular phenotype. Identifiers: MedGen CN230736.
Hypertrophic cardiomyopathy. Also called: HYPERTROPHIC MYOCARDIOPATHY. Identifiers: Orphanet 217569, MedGen C0007194, MeSH D002312, MONDO:0005045, HP:0001639.

Submissions (3):

Labcorp Genetics (formerly Invitae), Labcorp
Classification: Pathogenic for Hypertrophic cardiomyopathy. Last evaluated: 2025-10-01. Review status: criteria provided, single submitter. Criteria: Invitae Variant Classification Sherloc (09022015). Collection method: clinical testing. Allele origin: germline.
Comment: This sequence change replaces tyrosine, which is neutral and polar, with cysteine, which is neutral and slightly polar, at codon 162 of the MYH7 protein (p.Tyr162Cys). This variant is not present in population databases (gnomAD no frequency). This missense change has been observed in individuals with hypertrophic cardiomyopathy (PMID: 9172070; internal data). It has also been observed to segregate with disease in related individuals. ClinVar contains an entry for this variant (Variation ID: 372427). Invitae Evidence Modeling of protein sequence and biophysical properties (such as structural, functional, and spatial information, amino acid conservation, physicochemical variation, residue mobility, and thermodynamic stability) indicates that this missense variant is expected to disrupt MYH7 protein function with a positive predictive value of 95%. Experimental studies have shown that this missense change affects MYH7 function (PMID: 9172070). For these reasons, this variant has been classified as Pathogenic.

Ambry Genetics
Classification: Uncertain significance for Cardiovascular phenotype. Last evaluated: 2023-12-15. Review status: criteria provided, single submitter. Criteria: Ambry Variant Classification Scheme 2023. Collection method: clinical testing. Allele origin: germline.
Comment: The p.Y162C variant (also known as c.485A>G), located in coding exon 3 of the MYH7 gene, results from an A to G substitution at nucleotide position 485. The tyrosine at codon 162 is replaced by cysteine, an amino acid with highly dissimilar properties. This alteration has been reported in a hypertrophic cardiomyopathy (HCM) cohort. This alteration has also been This amino acid position is highly conserved in available vertebrate species. In addition, this alteration is predicted to be deleterious by in silico analysis. Since supporting evidence is limited at this time, the clinical significance of this alteration remains unclear.

GeneDx
Classification: Likely pathogenic. Last evaluated: 2018-10-09. Review status: criteria provided, single submitter. Criteria: GeneDx Variant Classification (06012015). Collection method: clinical testing. Allele origin: germline. Affected: yes.
Comment: The Y162C likely pathogenic variant in the MYH7 gene has been reported previously in association with cardiomyopathy (Rayment et al., 1995; Cuda et al., 1997). Additionally, another variant altering this residue (Y162H) has been reported in one individual with HCM (Meder et al., 2011). The Y162C variant was not observed in approximately 6,500 individuals of European and African American ancestry in the NHLBI Exome Sequencing Project, indicating it is not a common benign variant in these populations. The Y162C variant results in a non-conservative amino acid substitution at a position that is conserved across species. Consequently, in silico analysis predicts this variant is probably damaging to the protein structure/function. Furthermore, functional studies show that the Y162C variant lowers the motility activity of beta-myosin compared to wildtype protein (Cuda et al., 1997). However, despite the fact that an association between the Y162C variant in the MYH7 gene and cardiomyopathy has been described, family history information and segregation data was not provided.Therefore, this variant is a strong candidate for a pathogenic variant, however the possibility that it is a benign variant cannot be excluded.

Literature cited by the submitters: PubMed 9172070 (cited by Labcorp Genetics (formerly Invitae), Labcorp and Ambry Genetics); PubMed 25132132 (cited by Ambry Genetics).

NM_000257.4(MYH7):c.485A>G (p.Tyr162Cys)

Gene: MYH7 (myosin heavy chain 7; minus strand). Cytogenetic location: 14q11.2.
Variant type: single nucleotide variant.
Coding change: c.485A>G on transcript NM_000257.4 (MANE Select); coding-DNA position 485, A replaced by G.
Protein change: p.Tyr162Cys; replaces tyrosine 162 with cysteine.
Molecular consequence: missense variant.
Genome position (GRCh38, 1-based): chr14:23,432,656, T>C on the plus strand (A>G on the coding strand, the complement: MYH7 is on the minus strand). VCF-style: chr14-23432656-T-C. GRCh37 (hg19) VCF-style: chr14-23901865-T-C.
Other names: c.485A>G (LRG_384t1); short protein forms Y162C.
Identifiers: ClinVar variation 372427 (VCV000372427.11), dbSNP rs1057517771, ClinGen allele CA16042917.
Genomic context (GRCh38, chr14:23,432,656, plus strand): 5'-CTATCCCAGTTCCCTTCAGGAAGACCCTTCCAGGGCCTCTCACCTGTCAGCATGTACTGA[T>C]AGGCGTTGTCGGAGATGGAGAAGATGTGGGGCGGGGCCTCGCTCCTCTTCTTGCCCCGGT-3'
Protein context (NP_000248.2, residues 152-172): PHIFSISDNA[Tyr162Cys]QYMLTDRENQ